The following is an entry in ClinVar:

NM_001972.4(ELANE):c.269C>T (p.Ser90Leu)

Gene: ELANE (elastase, neutrophil expressed; plus strand). Cytogenetic location: 19p13.3.
Variant type: single nucleotide variant.
Coding change: c.269C>T on transcript NM_001972.4 (MANE Select); coding-DNA position 269, C replaced by T.
Protein change: p.Ser90Leu; replaces serine 90 with leucine.
Molecular consequence: missense variant.
Genome position (GRCh38, 1-based): chr19:853,306, C>T. VCF-style: chr19-853306-C-T. GRCh37 (hg19) VCF-style: chr19-853306-C-T.
Other names: short protein forms S90L.
Identifiers: ClinVar variation 938192 (VCV000938192.55), dbSNP rs890280050, ClinGen allele CA303943234.
Genomic context (GRCh38, chr19:853,306, plus strand): 5'-TCTCCCTCCCCGGCAGAAACGTCCGCGCGGTGCGGGTGGTCCTGGGAGCCCATAACCTCT[C>T]GCGGCGGGAGCCCACCCGGCAGGTGTTCGCCGTGCAGCGCATCTTCGAAAACGGCTACGA-3'
Protein context (NP_001963.1, residues 80-100): VRVVLGAHNL[Ser90Leu]RREPTRQVFA

ClinVar aggregate classification (germline): Uncertain significance. Review status: criteria provided, multiple submitters, no conflicts (2 of 4 stars). 3 submissions from 3 submitters: Uncertain significance (3). Last evaluated 2025-02-02.

Conditions:
Neutropenia, severe congenital, 1, autosomal dominant. Identifiers: MedGen C1859966, MONDO:0042490, OMIM 202700.
Cyclical neutropenia. Also called: Cyclic Neutropenia; Cyclic hematopoiesis. Identifiers: Orphanet 2686, MedGen C0221023, MONDO:0008090, OMIM 162800, HP:0040289. Disease mechanism: loss of function.
Inborn genetic diseases. Identifiers: MedGen C0950123, MeSH D030342.

Allele frequency attached by ClinVar (database versions not stated): TOPMed 0.00004.
gnomAD v4.1: 5 of 1,610,636 alleles (0.00031%); highest among the groups gnomAD compares: African/African-American, 0.004%; no homozygotes.

Submissions (3):

Ambry Genetics
Classification: Uncertain significance for Inborn genetic diseases. Last evaluated: 2025-02-02. Review status: criteria provided, single submitter. Criteria: Ambry Variant Classification Scheme 2023. Collection method: clinical testing. Allele origin: germline.
Comment: The p.S90L variant (also known as c.269C>T), located in coding exon 3 of the ELANE gene, results from a C to T substitution at nucleotide position 269. The serine at codon 90 is replaced by leucine, an amino acid with dissimilar properties. This amino acid position is conserved. In addition, this alteration is predicted to be tolerated by in silico analysis. Based on the available evidence, the clinical significance of this variant remains unclear.

Labcorp Genetics (formerly Invitae), Labcorp
Classification: Uncertain significance for Neutropenia, severe congenital, 1, autosomal dominant; Cyclical neutropenia. Last evaluated: 2024-11-06. Review status: criteria provided, single submitter. Criteria: Invitae Variant Classification Sherloc (09022015). Collection method: clinical testing. Allele origin: germline.
Comment: This sequence change replaces serine, which is neutral and polar, with leucine, which is neutral and non-polar, at codon 90 of the ELANE protein (p.Ser90Leu). This variant is not present in population databases (gnomAD no frequency). This variant has not been reported in the literature in individuals affected with ELANE-related conditions. ClinVar contains an entry for this variant (Variation ID: 938192). Invitae Evidence Modeling of protein sequence and biophysical properties (such as structural, functional, and spatial information, amino acid conservation, physicochemical variation, residue mobility, and thermodynamic stability) indicates that this missense variant is not expected to disrupt ELANE protein function with a negative predictive value of 95%. In summary, the available evidence is currently insufficient to determine the role of this variant in disease. Therefore, it has been classified as a Variant of Uncertain Significance.

Fulgent Genetics
Classification: Uncertain significance for Cyclical neutropenia; Neutropenia, severe congenital, 1, autosomal dominant. Last evaluated: 2024-02-08. Review status: criteria provided, single submitter. Criteria: ACMG Guidelines, 2015. Collection method: clinical testing. Allele origin: germline.